The following is an entry in ClinVar:

ClinVar aggregate classification (germline): Benign/Likely benign. Review status: criteria provided, multiple submitters, no conflicts (2 of 4 stars). 5 submissions from 5 submitters: Benign (4); Likely benign (1). Last evaluated 2025-05-20.

Conditions:
Catecholaminergic polymorphic ventricular tachycardia 1. Also called: VENTRICULAR TACHYCARDIA, CATECHOLAMINERGIC POLYMORPHIC, 1, WITH OR WITHOUT ATRIAL DYSFUNCTION AND/OR DILATED CARDIOMYOPATHY; RYR2-Related Catecholaminergic Polymorphic Ventricular Tachycardia; VENTRICULAR TACHYCARDIA, STRESS-INDUCED POLYMORPHIC 1. Identifiers: Orphanet 3286, MedGen C1631597, MONDO:0011484, OMIM 604772.

Submissions (5):

ARUP Laboratories, Molecular Genetics and Genomics, ARUP Laboratories
Classification: Benign. Last evaluated: 2025-05-20. Review status: criteria provided, single submitter. Criteria: ARUP Molecular Germline Variant Investigation Process 2024. Collection method: clinical testing. Allele origin: germline.

Labcorp Genetics (formerly Invitae), Labcorp
Classification: Benign for Catecholaminergic polymorphic ventricular tachycardia 1. Last evaluated: 2024-02-26. Review status: criteria provided, single submitter. Criteria: Invitae Variant Classification Sherloc (09022015). Collection method: clinical testing. Allele origin: germline.

Women's Health and Genetics/Laboratory Corporation of America, LabCorp
Classification: Benign. Last evaluated: 2019-10-29. Review status: criteria provided, single submitter. Criteria: LabCorp Variant Classification Summary - May 2015. Collection method: clinical testing. Allele origin: germline.
Comment: Variant summary: RYR2 c.7222-12dupT alters a non-conserved nucleotide located close to a canonical splice site and therefore could affect mRNA splicing, leading to a significantly altered protein sequence. 5/5 computational tools predict no significant impact on normal splicing. However, these predictions have yet to be confirmed by functional studies. The variant allele was found at a frequency of 0.0049 in 210328 control chromosomes, predominantly at a frequency of 0.047 within the African or African-American subpopulation in the gnomAD database, including 13 homozygotes. The observed variant frequency within African or African-American control individuals in the gnomAD database is significantly above the estimated maximal expected allele frequency for a pathogenic variant in RYR2 causing Cardiomyopathy phenotype (2.5e-05), strongly suggesting that the variant is a benign polymorphism found primarily in populations of African or African-American origin. To our knowledge, no occurrence of c.7222-12dupT in individuals affected with Cardiomyopathy and no experimental evidence demonstrating its impact on protein function have been reported. Two clinical diagnostic laboratories have submitted clinical-significance assessments for this variant to ClinVar after 2014 without evidence for independent evaluation. All laboratories classified the variant as benign/likely benign. Based on the evidence outlined above, the variant was classified as benign.

GeneDx
Classification: Benign. Last evaluated: 2014-04-30. Review status: criteria provided, single submitter. Criteria: GeneDx Variant Classification (06012015). Collection method: clinical testing. Allele origin: germline. Affected: yes.
Comment: The variant is found in CARDIOMYOPATHY panel(s).

Laboratory for Molecular Medicine, Mass General Brigham Personalized Medicine
Classification: Likely benign. Last evaluated: 2012-08-14. Review status: criteria provided, single submitter. Criteria: LMM Criteria. Collection method: clinical testing. Allele origin: germline. Observed: 17 variant alleles.
Comment: 7222-12_7222-11insT in intron 47 of RYR2: This variant is not expected to have c linical significance because it is located outside the conserved splicing consen sus sequence.

NM_001035.3(RYR2):c.7222-12dup

Gene: RYR2 (ryanodine receptor 2; plus strand). Cytogenetic location: 1q43.
Variant type: Duplication.
Coding change: c.7222-12dup on transcript NM_001035.3 (MANE Select); 12 bases into the intron before coding-DNA position 7222, one base duplicated (T; older notation c.7222-12dupT).
Genome position (GRCh38, 1-based): chr1:237,643,315, T duplicated; the last of 9 consecutive T bases (chr1:237,643,307-237,643,315); duplicating any one gives the same sequence. VCF-style (leftmost placement, unchanged base first): chr1-237643306-G-GT. GRCh37 (hg19) VCF-style: chr1-237806606-G-GT.
Other names: c.7222-12dup (NM_001035.2).
Identifiers: ClinVar variation 43824 (VCV000043824.14), dbSNP rs145140335, ClinGen allele CA010643.